The following is an entry in ClinVar:

NM_000238.4(KCNH2):c.969C>T (p.Asp323=)

Gene: KCNH2 (potassium voltage-gated channel subfamily H member 2; minus strand). Cytogenetic location: 7q36.1.
Variant type: single nucleotide variant.
Coding change: c.969C>T on transcript NM_000238.4 (MANE Select); coding-DNA position 969, C replaced by T.
Protein change: p.Asp323=; no amino-acid change (aspartic acid 323 retained).
Molecular consequence: synonymous variant. On other transcripts: non-coding transcript variant (1).
Genome position (GRCh38, 1-based): chr7:150,957,450, G>A on the plus strand (C>T on the coding strand, the complement: KCNH2 is on the minus strand). VCF-style: chr7-150957450-G-A. GRCh37 (hg19) VCF-style: chr7-150654538-G-A.
Other names: c.681C>T, p.Asp227= (NM_001406753.1, NM_001406756.1); c.792C>T, p.Asp264= (NM_001406755.1); c.669C>T, p.Asp223= (NM_001406757.1); c.969C>T, p.Asp323= (NM_172056.3).
Identifiers: ClinVar variation 704732 (VCV000704732.18), dbSNP rs762912817, ClinGen allele CA041245.

ClinVar aggregate classification (germline): Likely benign. Review status: criteria provided, multiple submitters, no conflicts (2 of 4 stars). 4 submissions from 4 submitters: Likely benign (4). Last evaluated 2025-10-02.

Conditions:
Long QT syndrome (LQTS). Identifiers: MedGen C0023976, MeSH D008133, MONDO:0002442. Disease mechanism: loss of function. Inheritance: Various modes of inheritance.
Cardiovascular phenotype. Identifiers: MedGen CN230736.
Cardiac arrhythmia. Also called: Cardiac rhythm disease; Arrhythmia. Identifiers: MedGen C0003811, MONDO:0007263, HP:0011675.

Allele frequency attached by ClinVar (database versions not stated): gnomAD exomes below 0.00001 and 0.00001; gnomAD 0.00001; ExAC 0.00002; TOPMed 0.00005.
gnomAD v4.1: 10 of 1,614,108 alleles (0.00062%); highest among the groups gnomAD compares: Admixed American, 0.0033%; no homozygotes.

Submissions (4):

Labcorp Genetics (formerly Invitae), Labcorp
Classification: Likely benign for Long QT syndrome. Last evaluated: 2025-10-02. Review status: criteria provided, single submitter. Criteria: Invitae Variant Classification Sherloc (09022015). Collection method: clinical testing. Allele origin: germline.

All of Us Research Program, National Institutes of Health
Classification: Likely benign for Long QT syndrome. Last evaluated: 2024-02-05. Review status: criteria provided, single submitter. Criteria: ACMG Guidelines, 2015. Collection method: clinical testing. Allele origin: germline. Inheritance: Autosomal dominant inheritance. Observed: 2 variant alleles, 2 heterozygotes.
Comment: This study involves interpretation of variants in research participants for the purpose of population health screening. Participant phenotype was not available at the time of variant classification. Additional details can be found in publication PMID: 35346344, PMCID: PMC8962531

Ambry Genetics
Classification: Likely benign for Cardiovascular phenotype. Last evaluated: 2020-03-19. Review status: criteria provided, single submitter. Criteria: Ambry Variant Classification Scheme 2023. Collection method: clinical testing. Allele origin: germline.

Color Diagnostics, LLC DBA Color Health
Classification: Likely benign for Arrhythmia. Last evaluated: 2019-11-19. Review status: criteria provided, single submitter. Criteria: ACMG Guidelines, 2015. Collection method: clinical testing. Allele origin: germline.